The following is an entry in ClinVar:

ClinVar aggregate classification (germline): Uncertain significance (1 of 4 stars; one submission).

Conditions:
Cohen syndrome (COH1). Also called: PEPPER SYNDROME; Cutis verticis gyrata, retinitis pigmentosa, and sensorineural deafness. Identifiers: Orphanet 193, MedGen C0265223, MONDO:0008999, OMIM 216550.

Submission:

Labcorp Genetics (formerly Invitae), Labcorp
Classification: Uncertain significance for Cohen syndrome. Last evaluated: 2022-07-13. Review status: criteria provided, single submitter. Criteria: Invitae Variant Classification Sherloc (09022015). Collection method: clinical testing. Allele origin: germline.
Comment: This variant results in a copy number gain of the genomic region encompassing exon(s) 2-8 of the VPS13B gene. This region includes the initiator codon of the gene. This copy number gain extends beyond the assayed region for this gene and therefore may encompass additional genes. As the precise location of this event is unknown, it may be in tandem or it may be located elsewhere in the genome. This variant has not been reported in the literature in individuals affected with VPS13B-related conditions. Experimental studies and prediction algorithms are not available or were not evaluated, and the functional significance of this variant is currently unknown. In summary, the available evidence is currently insufficient to determine the role of this variant in disease. Therefore, it has been classified as a Variant of Uncertain Significance.

NC_000008.10:g.(?_100026017)_(100133693_?)dup

Gene: VPS13B (vacuolar protein sorting 13 homolog B; plus strand). Cytogenetic location: 8q22.2.
Variant type: Duplication.
Identifiers: ClinVar variation 1433874 (VCV001433874.4).